The following is an entry in ClinVar:

NM_016222.4(DDX41):c.10_11inv (p.Ser4Glu)

Gene: DDX41 (DEAD-box helicase 41; minus strand). Cytogenetic location: 5q35.3.
Variant type: Inversion.
Coding change: c.10_11inv on transcript NM_016222.4 (MANE Select).
Protein change: p.Ser4Glu; replaces serine 4 with glutamic acid.
Molecular consequence: missense variant. On other transcripts: 5 prime UTR variant (2).
Genome position: GRCh38 VCF-style: chr5-177516935-GA-TC. GRCh37 (hg19) VCF-style: chr5-176943936-GA-TC.
Other names: c.-646_-645inv (NM_001321732.2); c.-438_-437inv (NM_001321830.2); short protein forms S4E.
Identifiers: ClinVar variation 4238780 (VCV004238780.1).
Genomic context (GRCh38, chr5:177,516,935, plus strand): 5'-TTCACGCCCGCTCCCACACGCGCGGGGTCTCGCCTCTCTCCTACCTTCCGTTCGGGTTCC[GA>TC]CTCCTCCATTCTTTGCTGCACGCATGCGCGCCACGGCGAAACCCCGCCTCATCCTTGCGT-3'
Protein context (NP_057306.2, residues 1-14): MEE[Ser4Glu]EPERKRARTD

ClinVar aggregate classification (germline): Uncertain significance (1 of 4 stars; one submission).

Conditions:
Inborn genetic diseases. Identifiers: MedGen C0950123, MeSH D030342.

Submission:

Ambry Genetics
Classification: Uncertain significance for Inborn genetic diseases. Last evaluated: 2025-08-08. Review status: criteria provided, single submitter. Criteria: Ambry Variant Classification Scheme 2023. Collection method: clinical testing. Allele origin: germline.
Comment: The c.10_11delTCinsGA variant (also known as p.S4E), located in coding exon 1 of the DDX41 gene, results from an in-frame deletion of TC and insertion of GA at nucleotide positions 10 to 11. This results in the substitution of the serine residue for a glutamic acid residue at codon 4, an amino acid with similar properties. This amino acid position is well conserved in available vertebrate species. Based on the available evidence, the clinical significance of this variant remains unclear.